The following is an entry in ClinVar:

NM_004366.6(CLCN2):c.790G>A (p.Glu264Lys)

Gene: CLCN2 (chloride voltage-gated channel 2; minus strand). Cytogenetic location: 3q27.1.
Variant type: single nucleotide variant.
Coding change: c.790G>A on transcript NM_004366.6 (MANE Select); coding-DNA position 790, G replaced by A.
Protein change: p.Glu264Lys; replaces glutamic acid 264 with lysine.
Molecular consequence: missense variant.
Genome position (GRCh38, 1-based): chr3:184,357,470, C>T on the plus strand (G>A on the coding strand, the complement: CLCN2 is on the minus strand). VCF-style: chr3-184357470-C-T. GRCh37 (hg19) VCF-style: chr3-184075258-C-T.
Other names: c.790G>A, p.Glu264Lys (NM_001171087.3, NM_001171089.3); c.658G>A, p.Glu220Lys (NM_001171088.3); short protein forms E220K, E264K.
Identifiers: ClinVar variation 3589037 (VCV003589037.2).
Genomic context (GRCh38, chr3:184,357,470, plus strand): 5'-AGGTGGCAGCGAAGAAGCCCCGCCAGTAGTTCCGCACTGCAAAGAAGGTGGAGGTGACCT[C>T]GATGCTGAAGAGGACGCCTGTGAGGGGGAGGGAGACCAGCACTTGAGGCCTGGGCCTGGC-3'
Protein context (NP_004357.3, residues 254-274): APIGGVLFSI[Glu264Lys]VTSTFFAVRN

ClinVar aggregate classification (germline): Uncertain significance. Review status: criteria provided, multiple submitters, no conflicts (2 of 4 stars). 2 submissions from 2 submitters: Uncertain significance (2). Last evaluated 2025-05-06.

Conditions:
Epilepsy, idiopathic generalized, susceptibility to, 11 (EIG11). Identifiers: Orphanet 307, MedGen C2750893, MONDO:0011875, OMIM 607628.
Leukoencephalopathy with mild cerebellar ataxia and white matter edema (LKPAT). Also called: Leukoencephalopathy with ataxia; Leukoencephalopathy with white matter edema; Brain white matter edema; CLCN2-Related Leukoencephalopathy. Identifiers: Orphanet 363540, MedGen C4554120, MONDO:0014292, OMIM 615651. Disease mechanism: loss of function.
Familial hyperaldosteronism type II. Also called: FH II. Identifiers: Orphanet 404, MedGen C1854107, MONDO:0011576, OMIM 605635.

Submissions (2):

Labcorp Genetics (formerly Invitae), Labcorp
Classification: Uncertain significance. Last evaluated: 2025-05-06. Review status: criteria provided, single submitter. Criteria: Invitae Variant Classification Sherloc (09022015). Collection method: clinical testing. Allele origin: germline.
Comment: This sequence change replaces glutamic acid, which is acidic and polar, with lysine, which is basic and polar, at codon 264 of the CLCN2 protein (p.Glu264Lys). This variant is not present in population databases (gnomAD no frequency). This variant has not been reported in the literature in individuals affected with CLCN2-related conditions. ClinVar contains an entry for this variant (Variation ID: 3589037). Invitae Evidence Modeling of protein sequence and biophysical properties (such as structural, functional, and spatial information, amino acid conservation, physicochemical variation, residue mobility, and thermodynamic stability) indicates that this missense variant is expected to disrupt CLCN2 protein function with a positive predictive value of 80%. In summary, the available evidence is currently insufficient to determine the role of this variant in disease. Therefore, it has been classified as a Variant of Uncertain Significance.

Fulgent Genetics
Classification: Uncertain significance for Familial hyperaldosteronism type II; Epilepsy, idiopathic generalized, susceptibility to, 11; Leukoencephalopathy with mild cerebellar ataxia and white matter edema. Last evaluated: 2024-03-21. Review status: criteria provided, single submitter. Criteria: ACMG Guidelines, 2015. Collection method: clinical testing. Allele origin: germline.